The following is an entry in ClinVar:

NM_000021.4(PSEN1):c.552A>C (p.Glu184Asp)

Gene: PSEN1 (presenilin 1; plus strand). Cytogenetic location: 14q24.2.
Variant type: single nucleotide variant.
Coding change: c.552A>C on transcript NM_000021.4 (MANE Select); coding-DNA position 552, A replaced by C.
Protein change: p.Glu184Asp; replaces glutamic acid 184 with aspartic acid.
Molecular consequence: missense variant.
Genome position (GRCh38, 1-based): chr14:73,192,647, A>C. VCF-style: chr14-73192647-A-C. GRCh37 (hg19) VCF-style: chr14-73659355-A-C.
Other names: c.540A>C, p.Glu180Asp (NM_007318.3); short protein forms E184D, E180D.
Identifiers: ClinVar variation 98049 (VCV000098049.7), dbSNP rs63750311, ClinGen allele CA225063.

ClinVar aggregate classification (germline): Pathogenic. Review status: criteria provided, single submitter (1 of 4 stars). 2 submissions from 2 submitters: Pathogenic (1). 1 of the submissions does not count toward it. Last evaluated 2022-05-09.

Conditions:
Alzheimer disease 3 (AD3). Also called: ALZHEIMER DISEASE, FAMILIAL, 3. Identifiers: Orphanet 1020, MedGen C1843013, MONDO:0011913, OMIM 607822.
Acne inversa, familial, 3 (ACNINV3). Identifiers: MedGen C3151038, MONDO:0013398, OMIM 613737.
Frontotemporal dementia (FTD1). Also called: Frontotemporal Dementia with Parkinsonism-17 (FTDP-17); FRONTOTEMPORAL DEMENTIA WITH PARKINSONISM; FRONTOTEMPORAL LOBE DEMENTIA; MULTIPLE SYSTEM TAUOPATHY WITH PRESENILE DEMENTIA; Dementia, frontotemporal, with or without parkinsonism; WILHELMSEN-LYNCH DISEASE. Identifiers: Orphanet 282, MedGen C0338451, MONDO:0017276, OMIM 600274, HP:0002145.
Pick disease. Also called: PICK DISEASE OF BRAIN; DEMENTIA WITH LOBAR ATROPHY AND NEURONAL CYTOPLASMIC INCLUSIONS; LOBAR ATROPHY OF BRAIN; Pick's disease; Pick Disease of the Brain. Identifiers: Orphanet 282, MedGen C0236642, MONDO:0008243, OMIM 172700.

Submissions (2):

Labcorp Genetics (formerly Invitae), Labcorp
Classification: Pathogenic for Alzheimer disease 3; Pick disease; Acne inversa, familial, 3; Frontotemporal dementia. Last evaluated: 2022-05-09. Review status: criteria provided, single submitter. Criteria: Invitae Variant Classification Sherloc (09022015). Collection method: clinical testing. Allele origin: germline.
Comment: This sequence change replaces glutamic acid, which is acidic and polar, with aspartic acid, which is acidic and polar, at codon 184 of the PSEN1 protein (p.Glu184Asp). Advanced modeling of protein sequence and biophysical properties (such as structural, functional, and spatial information, amino acid conservation, physicochemical variation, residue mobility, and thermodynamic stability) performed at Invitae indicates that this missense variant is expected to disrupt PSEN1 protein function. This variant is not present in population databases (gnomAD no frequency). This missense change has been observed in individuals with early-onset Alzheimer disease (PMID: 9292884, 12552037, 28323683). ClinVar contains an entry for this variant (Variation ID: 98049). Experimental studies have shown that this missense change affects PSEN1 function (PMID: 27930341). This variant disrupts the p.Glu184 amino acid residue in PSEN1. Other variant(s) that disrupt this residue have been observed in individuals with PSEN1-related conditions (PMID: 22475797), which suggests that this may be a clinically significant amino acid residue. For these reasons, this variant has been classified as Pathogenic.

VIB  Department of Molecular Genetics, University of Antwerp
No classification provided. Review status: no classification provided. Collection method: not provided. Allele origin: not provided. Not counted in ClinVar's aggregate classification.

Literature cited by the submitters: PubMed 9292884 (cited by Labcorp Genetics (formerly Invitae), Labcorp); PubMed 12552037 (cited by Labcorp Genetics (formerly Invitae), Labcorp); PubMed 28323683 (cited by Labcorp Genetics (formerly Invitae), Labcorp); PubMed 27930341 (cited by Labcorp Genetics (formerly Invitae), Labcorp); PubMed 22475797 (cited by Labcorp Genetics (formerly Invitae), Labcorp).